The following is an entry in ClinVar:

NM_000070.3(CAPN3):c.498+4A>G

Genes: CAPN3 (calpain 3; plus strand), LOC126862115 (BRD4-independent group 4 enhancer GRCh37_chr15:42677734-42678933; plus strand). Cytogenetic location: 15q15.1.
Variant type: single nucleotide variant.
Coding change: c.498+4A>G on transcript NM_000070.3 (MANE Select); 4 bases into the intron after coding-DNA position 498, A replaced by G.
Molecular consequence: intron variant.
Genome position (GRCh38, 1-based): chr15:42,386,289, A>G. VCF-style: chr15-42386289-A-G. GRCh37 (hg19) VCF-style: chr15-42678487-A-G.
Other names: c.498+4A>G (NM_024344.2, NM_173087.2).
Identifiers: ClinVar variation 4723768 (VCV004723768.2).

ClinVar aggregate classification (germline): Uncertain significance. Review status: criteria provided, multiple submitters, no conflicts (2 of 4 stars). 2 submissions from 2 submitters: Uncertain significance (2). Last evaluated 2025-11-18.

Conditions:
Autosomal recessive limb-girdle muscular dystrophy type 2A (LGMDR1). Also called: Muscular dystrophy, limb-girdle, type 2A, Amish; LEYDEN-MOEBIUS MUSCULAR DYSTROPHY; MUSCULAR DYSTROPHY, PELVOFEMORAL; Limb-girdle muscular dystrophy, type 2A; Calpainopathy. Identifiers: Orphanet 267, MedGen C1869123, MONDO:0009675, OMIM 253600. Disease mechanism: loss of function.

Submissions (2):

Labcorp Genetics (formerly Invitae), Labcorp
Classification: Uncertain significance for Autosomal recessive limb-girdle muscular dystrophy type 2A. Last evaluated: 2025-11-18. Review status: criteria provided, single submitter. Criteria: Invitae Variant Classification Sherloc (09022015). Collection method: clinical testing. Allele origin: germline.
Comment: This sequence change falls in intron 3 of the CAPN3 gene. It does not directly change the encoded amino acid sequence of the CAPN3 protein. It affects a nucleotide within the consensus splice site. This variant is not present in population databases (gnomAD no frequency). This variant has been observed in individual(s) with clinical features of autosomal recessive limb-girdle muscular dystrophy (internal data). In at least one individual the data is consistent with being in trans (on the opposite chromosome) from a pathogenic variant. Variants that disrupt the consensus splice site are a relatively common cause of aberrant splicing (PMID: 17576681, 9536098). Algorithms developed to predict the effect of sequence changes on RNA splicing suggest that this variant is not likely to affect RNA splicing. In summary, the available evidence is currently insufficient to determine the role of this variant in disease. Therefore, it has been classified as a Variant of Uncertain Significance.

GeneDx
Classification: Uncertain significance. Last evaluated: 2025-09-26. Review status: criteria provided, single submitter. Criteria: GeneDx Variant Classification Process June 2021. Collection method: clinical testing. Allele origin: germline. Affected: yes.
Comment: Not observed at significant frequency in large population cohorts (gnomAD); Has not been previously published as pathogenic or benign to our knowledge; In silico analysis is inconclusive as to whether the variant alters gene splicing. In the absence of RNA/functional studies, the actual effect of this sequence change is unknown.

Literature cited by the submitters: PubMed 17576681 (cited by Labcorp Genetics (formerly Invitae), Labcorp); PubMed 9536098 (cited by Labcorp Genetics (formerly Invitae), Labcorp).